The following is an entry in ClinVar:

NM_005445.4(SMC3):c.449C>T (p.Ala150Val)

Gene: SMC3 (structural maintenance of chromosomes 3; plus strand). Cytogenetic location: 10q25.2.
Variant type: single nucleotide variant.
Coding change: c.449C>T on transcript NM_005445.4 (MANE Select); coding-DNA position 449, C replaced by T.
Protein change: p.Ala150Val; replaces alanine 150 with valine.
Molecular consequence: missense variant.
Genome position (GRCh38, 1-based): chr10:110,580,923, C>T. VCF-style: chr10-110580923-C-T. GRCh37 (hg19) VCF-style: chr10-112340681-C-T.
Other names: short protein forms A150V.
Identifiers: ClinVar variation 2412943 (VCV002412943.3), dbSNP rs2493111025, ClinGen allele CA378375177.

ClinVar aggregate classification (germline): Uncertain significance (1 of 4 stars; one submission).

Submission:

GeneDx
Classification: Uncertain significance. Last evaluated: 2022-07-30. Review status: criteria provided, single submitter. Criteria: GeneDx Variant Classification Process June 2021. Collection method: clinical testing. Allele origin: germline. Affected: yes.
Comment: Not observed at significant frequency in large population cohorts (gnomAD); In silico analysis supports that this missense variant does not alter protein structure/function; Has not been previously published as pathogenic or benign to our knowledge